The following is an entry in ClinVar:

ClinVar aggregate classification (germline): Uncertain significance. Review status: criteria provided, multiple submitters, no conflicts (2 of 4 stars). 4 submissions from 4 submitters: Uncertain significance (4). Last evaluated 2023-07-17.

Conditions:
Hereditary spastic paraplegia 39 (SPG39). Also called: Spastic Paraplegia Type 39 (SPG39); SPASTIC PARAPLEGIA 39, AUTOSOMAL RECESSIVE. Identifiers: Orphanet 139480, MedGen C2677586, MONDO:0012787, OMIM 612020.

Allele frequency attached by ClinVar (database versions not stated): gnomAD exomes 0.00001 and 0.00002; ExAC 0.00002.
gnomAD v4.1: 6 of 1,608,238 alleles (0.00037%); highest among the groups gnomAD compares: Admixed American, 0.0083%; no homozygotes.

Submissions (4):

Labcorp Genetics (formerly Invitae), Labcorp
Classification: Uncertain significance for Hereditary spastic paraplegia 39. Last evaluated: 2023-07-17. Review status: criteria provided, single submitter. Criteria: Invitae Variant Classification Sherloc (09022015). Collection method: clinical testing. Allele origin: germline.
Comment: In summary, the available evidence is currently insufficient to determine the role of this variant in disease. Therefore, it has been classified as a Variant of Uncertain Significance. This sequence change replaces lysine, which is basic and polar, with arginine, which is basic and polar, at codon 355 of the PNPLA6 protein (p.Lys355Arg). This variant is present in population databases (rs764509267, gnomAD 0.009%). This variant has not been reported in the literature in individuals affected with PNPLA6-related conditions. ClinVar contains an entry for this variant (Variation ID: 1463040). Advanced modeling of protein sequence and biophysical properties (such as structural, functional, and spatial information, amino acid conservation, physicochemical variation, residue mobility, and thermodynamic stability) has been performed at Invitae for this missense variant, however the output from this modeling did not meet the statistical confidence thresholds required to predict the impact of this variant on PNPLA6 protein function. Algorithms developed to predict the effect of sequence changes on RNA splicing suggest that this variant may disrupt the consensus splice site.

Mayo Clinic Laboratories, Mayo Clinic
Classification: Uncertain significance. Last evaluated: 2023-01-26. Review status: criteria provided, single submitter. Criteria: ACMG Guidelines, 2015. Collection method: clinical testing. Allele origin: germline. Observed: 1 variant allele.
Comment: BP4, PM2

GeneDx
Classification: Uncertain significance. Last evaluated: 2022-12-22. Review status: criteria provided, single submitter. Criteria: GeneDx Variant Classification Process June 2021. Collection method: clinical testing. Allele origin: germline. Affected: yes.
Comment: Has not been previously published as pathogenic or benign to our knowledge; Not observed at significant frequency in large population cohorts (gnomAD); In silico analysis supports that this missense variant does not alter protein structure/function; In silico analysis is inconclusive as to whether the variant alters gene splicing. In the absence of RNA/functional studies, the actual effect of this sequence change is unknown.

Blueprint Genetics
Classification: Uncertain significance. Last evaluated: 2022-04-15. Review status: criteria provided, single submitter. Criteria: ACMG Guidelines, 2015. Collection method: clinical testing. Allele origin: germline.

NM_001166114.2(PNPLA6):c.1181A>G (p.Lys394Arg)

Gene: PNPLA6 (patatin like domain 6, lysophospholipase; plus strand). Cytogenetic location: 19p13.2.
Variant type: single nucleotide variant.
Coding change: c.1181A>G on transcript NM_001166114.2 (MANE Select); coding-DNA position 1181, A replaced by G.
Protein change: p.Lys394Arg; replaces lysine 394 with arginine.
Molecular consequence: missense variant.
Genome position (GRCh38, 1-based): chr19:7,541,996, A>G. VCF-style: chr19-7541996-A-G. GRCh37 (hg19) VCF-style: chr19-7606882-A-G.
Other names: p.Lys355Arg; c.1208A>G, p.Lys403Arg (NM_001166111.2); c.1064A>G, p.Lys355Arg (NM_001166112.2, NM_001166113.1, NM_006702.5); c.1064A>G (NM_006702.4); short protein forms K355R, K403R, K394R.
Identifiers: ClinVar variation 1463040 (VCV001463040.8), dbSNP rs764509267, ClinGen allele CA9139706.